The following is an entry in ClinVar:

ClinVar aggregate classification (germline): Uncertain significance (1 of 4 stars; one submission).

Conditions:
Spermatogenic failure 18. Identifiers: MedGen C4539783, MONDO:0054615, OMIM 617576.
Ciliary dyskinesia, primary, 37 (CILD37). Also called: CILIARY DYSKINESIA, PRIMARY, 37, WITH OR WITHOUT SITUS INVERSUS. Identifiers: MedGen C4539798, MONDO:0033204, OMIM 617577.

Allele frequency attached by ClinVar (database versions not stated): gnomAD exomes 0.00001; ExAC 0.00002.
gnomAD v4.1: 19 of 1,610,494 alleles (0.0012%); highest among the groups gnomAD compares: Non-Finnish European, 0.0016%; no homozygotes.

Submission:

Labcorp Genetics (formerly Invitae), Labcorp
Classification: Uncertain significance for Ciliary dyskinesia, primary, 37; Spermatogenic failure 18. Last evaluated: 2020-03-06. Review status: criteria provided, single submitter. Criteria: Invitae Variant Classification Sherloc (09022015). Collection method: clinical testing. Allele origin: germline.
Comment: In summary, the available evidence is currently insufficient to determine the role of this variant in disease. Therefore, it has been classified as a Variant of Uncertain Significance. Algorithms developed to predict the effect of missense changes on protein structure and function are either unavailable or do not agree on the potential impact of this missense change (SIFT: "Deleterious"; PolyPhen-2: "Benign"; Align-GVGD: "Class C0"). This variant has not been reported in the literature in individuals with DNAH1-related conditions. This variant is present in population databases (rs763545067, ExAC 0.002%). This sequence change replaces threonine with isoleucine at codon 2703 of the DNAH1 protein (p.Thr2703Ile). The threonine residue is highly conserved and there is a moderate physicochemical difference between threonine and isoleucine.

NM_015512.5(DNAH1):c.8108C>T (p.Thr2703Ile)

Gene: DNAH1 (dynein axonemal heavy chain 1; plus strand). Cytogenetic location: 3p21.1.
Variant type: single nucleotide variant.
Coding change: c.8108C>T on transcript NM_015512.5 (MANE Select); coding-DNA position 8108, C replaced by T.
Protein change: p.Thr2703Ile; replaces threonine 2703 with isoleucine.
Molecular consequence: missense variant.
Genome position (GRCh38, 1-based): chr3:52,383,552, C>T. VCF-style: chr3-52383552-C-T. GRCh37 (hg19) VCF-style: chr3-52417568-C-T.
Other names: short protein forms T2703I.
Identifiers: ClinVar variation 1010791 (VCV001010791.3), dbSNP rs763545067, ClinGen allele CA2435085.
Genomic context (GRCh38, chr3:52,383,552, plus strand): 5'-GGCCCTATATCCAGGAGCAGGGCCTACAGCCCACCAAGGCCAACCTCATGGCTGCTTACA[C>T]AGGGCGTGTGCGCAGCAACATCCACATGGTGCTGTGCATGAGGTACAGGCAGCTGTCGCC-3'
Protein context (NP_056327.4, residues 2693-2713): PTKANLMAAY[Thr2703Ile]GRVRSNIHMV